The following is an entry in ClinVar:

ClinVar aggregate classification (germline): Uncertain significance. Review status: criteria provided, multiple submitters, no conflicts (2 of 4 stars). 2 submissions from 2 submitters: Uncertain significance (2). Last evaluated 2026-01-12.

Conditions:
Usher syndrome type 3B. Also called: USHER SYNDROME, TYPE IIIB. Identifiers: MedGen C3281066, MONDO:0013788, OMIM 614504.

gnomAD v4.1: 3 of 1,614,154 alleles (0.00019%); highest among the groups gnomAD compares: Non-Finnish European, 0.00025%; no homozygotes.

Submissions (2):

Labcorp Genetics (formerly Invitae), Labcorp
Classification: Uncertain significance for Usher syndrome type 3B. Last evaluated: 2026-01-12. Review status: criteria provided, single submitter. Criteria: Invitae Variant Classification Sherloc (09022015). Collection method: clinical testing. Allele origin: germline.
Comment: This sequence change replaces aspartic acid, which is acidic and polar, with asparagine, which is neutral and polar, at codon 286 of the HARS protein (p.Asp286Asn). This variant is not present in population databases (gnomAD no frequency). This variant has not been reported in the literature in individuals affected with HARS-related conditions. ClinVar contains an entry for this variant (Variation ID: 1949920). An algorithm developed to predict the effect of missense changes on protein structure and function (PolyPhen-2) suggests that this variant is likely to be tolerated. In summary, the available evidence is currently insufficient to determine the role of this variant in disease. Therefore, it has been classified as a Variant of Uncertain Significance.

GeneDx
Classification: Uncertain significance. Last evaluated: 2023-04-03. Review status: criteria provided, single submitter. Criteria: GeneDx Variant Classification Process June 2021. Collection method: clinical testing. Allele origin: germline. Affected: yes.
Comment: Not observed at significant frequency in large population cohorts (gnomAD); In silico analysis supports that this missense variant has a deleterious effect on protein structure/function; Has not been previously published as pathogenic or benign to our knowledge

NM_002109.6(HARS1):c.856G>A (p.Asp286Asn)

Gene: HARS1 (histidyl-tRNA synthetase 1; minus strand). Cytogenetic location: 5q31.3.
Variant type: single nucleotide variant.
Coding change: c.856G>A on transcript NM_002109.6 (MANE Select); coding-DNA position 856, G replaced by A.
Protein change: p.Asp286Asn; replaces aspartic acid 286 with asparagine.
Molecular consequence: missense variant.
Genome position (GRCh38, 1-based): chr5:140,677,084, C>T on the plus strand (G>A on the coding strand, the complement: HARS1 is on the minus strand). VCF-style: chr5-140677084-C-T. GRCh37 (hg19) VCF-style: chr5-140056669-C-T.
Other names: c.856G>A (NM_002109.5); c.736G>A, p.Asp246Asn (NM_001258040.3); c.796G>A, p.Asp266Asn (NM_001258041.3); c.676G>A, p.Asp226Asn (NM_001258042.3); c.634G>A, p.Asp212Asn (NM_001289092.2); c.514G>A, p.Asp172Asn (NM_001289093.2); c.769G>A, p.Asp257Asn (NM_001289094.2); short protein forms D266N, D172N, D226N, D246N, D257N, D212N, D286N.
Identifiers: ClinVar variation 1949920 (VCV001949920.6), dbSNP rs2481249746, ClinGen allele CA361253248.